The following is an entry in ClinVar:

ClinVar aggregate classification (germline): Likely benign. Review status: criteria provided, single submitter (1 of 4 stars). 2 submissions from 2 submitters: Likely benign (1). 1 of the submissions does not count toward it. Last evaluated 2025-04-07.

Conditions:
CREBBP-related disorder. Also called: CREBBP-related disorders; CREBBP-related condition.
Rubinstein-Taybi syndrome (RSTS). Identifiers: Orphanet 783, MedGen C0035934, MONDO:0019188.

Allele frequency attached by ClinVar (database versions not stated): ExAC 0.00001; gnomAD 0.00001; gnomAD exomes 0.00001; TOPMed 0.00002.
gnomAD v4.1: 6 of 1,614,078 alleles (0.00037%); highest among the groups gnomAD compares: Non-Finnish European, 0.00051%; no homozygotes.

Submissions (2):

Labcorp Genetics (formerly Invitae), Labcorp
Classification: Likely benign for Rubinstein-Taybi syndrome. Last evaluated: 2025-04-07. Review status: criteria provided, single submitter. Criteria: Invitae Variant Classification Sherloc (09022015). Collection method: clinical testing. Allele origin: germline.

PreventionGenetics, part of Exact Sciences
Classification: Likely benign for CREBBP-related condition. Last evaluated: 2022-11-21. Review status: no assertion criteria provided. Collection method: clinical testing. Allele origin: germline. Not counted in ClinVar's aggregate classification.
Comment: This variant is classified as likely benign based on ACMG/AMP sequence variant interpretation guidelines (Richards et al. 2015 PMID: 25741868, with internal and published modifications).

NM_004380.3(CREBBP):c.7239C>T (p.Asn2413=)

Gene: CREBBP (CREB binding lysine acetyltransferase; minus strand). Cytogenetic location: 16p13.3.
Variant type: single nucleotide variant.
Coding change: c.7239C>T on transcript NM_004380.3 (MANE Select); coding-DNA position 7239, C replaced by T.
Protein change: p.Asn2413=; no amino-acid change (asparagine 2413 retained).
Molecular consequence: synonymous variant.
Genome position (GRCh38, 1-based): chr16:3,727,808, G>A on the plus strand (C>T on the coding strand, the complement: CREBBP is on the minus strand). VCF-style: chr16-3727808-G-A. GRCh37 (hg19) VCF-style: chr16-3777809-G-A.
Other names: c.7125C>T, p.Asn2375= (NM_001079846.1); c.7239C>T (NM_004380.2).
Identifiers: ClinVar variation 1541782 (VCV001541782.9), dbSNP rs757539209, ClinGen allele CA7868929.